The following is an entry in ClinVar:

ClinVar aggregate classification (germline): Benign/Likely benign. Review status: criteria provided, multiple submitters, no conflicts (2 of 4 stars). 5 submissions from 5 submitters: Benign (2); Likely benign (3). Last evaluated 2026-03-01.

Conditions:
Quebec platelet disorder (QPD). Also called: BLEEDING DISORDER, PLATELET-TYPE, 5; FACTOR V QUEBEC. Identifiers: Orphanet 220436, MedGen C1866423, MONDO:0011136, OMIM 601709.
PLAU-related disorder. Also called: PLAU-related condition.

Allele frequency attached by ClinVar (database versions not stated): gnomAD exomes 0.00057 and 0.00115; ExAC 0.00063; ESP Exome Variant Server 0.00069; gnomAD 0.00070 and 0.00071; TOPMed 0.00072; 1000 Genomes Project 30x 0.00094; 1000 Genomes Project 0.00100.
gnomAD v4.1: 1,791 of 1,613,856 alleles (0.11%); highest among the groups gnomAD compares: Non-Finnish European, 0.14%; 3 homozygotes.

Submissions (5):

CeGaT Center for Human Genetics Tuebingen
Classification: Likely benign. Last evaluated: 2026-03-01. Review status: criteria provided, single submitter. Criteria: CeGaT Center For Human Genetics Tuebingen Variant Classification Criteria Version 2. Collection method: clinical testing. Allele origin: germline. Affected: yes. Observed: 2 variant alleles.
Comment: PLAU: BP4, BS1

PreventionGenetics, part of Exact Sciences
Classification: Likely benign for PLAU-related condition. Last evaluated: 2024-11-14. Review status: criteria provided, single submitter. Criteria: ACMG Guidelines, 2015. Collection method: clinical testing. Allele origin: germline.
Comment: This variant is classified as likely benign based on ACMG/AMP sequence variant interpretation guidelines (Richards et al. 2015 PMID: 25741868, with internal and published modifications).

Mayo Clinic Laboratories, Mayo Clinic
Classification: Likely benign. Last evaluated: 2024-06-28. Review status: criteria provided, single submitter. Criteria: ACMG Guidelines, 2015. Collection method: clinical testing. Allele origin: germline. Observed: 3 variant alleles.
Comment: BS1, BP4, PM1_supporting

Illumina Laboratory Services, Illumina
Classification: Benign for Quebec platelet disorder. Last evaluated: 2018-03-26. Review status: criteria provided, single submitter. Criteria: ICSL Variant Classification Criteria 13 December 2019. Collection method: clinical testing. Allele origin: germline.
Comment: This variant was observed in the ICSL laboratory as part of a predisposition screen in an ostensibly healthy population. It had not been previously curated by ICSL or reported in the Human Gene Mutation Database (HGMD: prior to June 1st, 2018), and was therefore a candidate for classification through an automated scoring system. Utilizing variant allele frequency, disease prevalence and penetrance estimates, and inheritance mode, an automated score was calculated to assess if this variant is too frequent to cause the disease. Based on the score and internal cut-off values, a variant classified as benign is not then subjected to further curation. The score for this variant resulted in a classification of benign for this disease.

Breakthrough Genomics
Classification: Benign. Review status: criteria provided, single submitter. Criteria: ACMG Guidelines, 2015. Collection method: not provided. Allele origin: germline. Inheritance: Autosomal dominant inheritance. Affected: yes.

NM_002658.6(PLAU):c.445C>T (p.His149Tyr)

Genes: C10orf55 (chromosome 10 putative open reading frame 55; minus strand), PLAU (plasminogen activator, urokinase; plus strand), LOC126860960 (BRD4-independent group 4 enhancer GRCh37_chr10:75672789-75673988; plus strand). Cytogenetic location: 10q22.2.
Variant type: single nucleotide variant.
Coding change: c.445C>T on transcript NM_002658.6 (MANE Select); coding-DNA position 445, C replaced by T.
Protein change: p.His149Tyr; replaces histidine 149 with tyrosine.
Molecular consequence: missense variant.
Genome position (GRCh38, 1-based): chr10:73,913,366, C>T. VCF-style: chr10-73913366-C-T. GRCh37 (hg19) VCF-style: chr10-75673124-C-T.
Other names: p.His149Tyr; c.394C>T, p.His132Tyr (NM_001145031.3); c.187C>T, p.His63Tyr (NM_001319191.2); c.445C>T (NM_002658.5, NM_002658.4); short protein forms H132Y, H149Y, H63Y.
Identifiers: ClinVar variation 878607 (VCV000878607.25), dbSNP rs117135013, ClinGen allele CA5562424.